The following is an entry in ClinVar:

ClinVar aggregate classification (germline): Uncertain significance (1 of 4 stars; one submission).

Conditions:
Cardiovascular phenotype. Identifiers: MedGen CN230736.
Hereditary cancer-predisposing syndrome. Also called: Tumor predisposition; Hereditary neoplastic syndrome; Neoplastic Syndromes, Hereditary; Hereditary Cancer Syndrome. Identifiers: Orphanet 140162, MedGen C0027672, MeSH D009386, MONDO:0015356.

Submission:

Ambry Genetics
Classification: Uncertain significance for Cardiovascular phenotype; Hereditary cancer-predisposing syndrome. Last evaluated: 2025-06-07. Review status: criteria provided, single submitter. Criteria: Ambry Variant Classification Scheme 2023. Collection method: clinical testing. Allele origin: germline.
Comment: The p.L207V variant (also known as c.619C>G), located in coding exon 7 of the LZTR1 gene, results from a C to G substitution at nucleotide position 619. The leucine at codon 207 is replaced by valine, an amino acid with highly similar properties. This amino acid position is conserved. In addition, this alteration is predicted to be tolerated by in silico analysis. Based on the available evidence, the clinical significance of this variant remains unclear.

NM_006767.4(LZTR1):c.619C>G (p.Leu207Val)

Gene: LZTR1 (leucine zipper like post translational regulator 1; plus strand). Cytogenetic location: 22q11.21.
Variant type: single nucleotide variant.
Coding change: c.619C>G on transcript NM_006767.4 (MANE Select); coding-DNA position 619, C replaced by G.
Protein change: p.Leu207Val; replaces leucine 207 with valine.
Molecular consequence: missense variant.
Genome position (GRCh38, 1-based): chr22:20,989,650, C>G. VCF-style: chr22-20989650-C-G. GRCh37 (hg19) VCF-style: chr22-21343939-C-G.
Other names: short protein forms L207V.
Identifiers: ClinVar variation 3995148 (VCV003995148.1).